The following is an entry in ClinVar:

NM_015271.5(TRIM2):c.889G>A (p.Val297Ile)

Gene: TRIM2 (tripartite motif containing 2; plus strand). Cytogenetic location: 4q31.3.
Variant type: single nucleotide variant.
Coding change: c.889G>A on transcript NM_015271.5 (MANE Select); coding-DNA position 889, G replaced by A.
Protein change: p.Val297Ile; replaces valine 297 with isoleucine.
Molecular consequence: missense variant.
Genome position (GRCh38, 1-based): chr4:153,295,415, G>A. VCF-style: chr4-153295415-G-A. GRCh37 (hg19) VCF-style: chr4-154216567-G-A.
Other names: c.808G>A, p.Val270Ile (NM_001375517.1, NM_001130067.2, NM_001351056.2 and 5 more transcripts); c.556G>A, p.Val186Ile (NM_001375519.1); c.553G>A, p.Val185Ile (NM_001375520.1); c.550G>A, p.Val184Ile (NM_001375522.1, NM_001375523.1, NM_001375525.1); c.859G>A, p.Val287Ile (NM_001351055.2); c.862G>A, p.Val288Ile (NM_001351054.2); c.433G>A, p.Val145Ile (NM_001351057.2); c.982G>A, p.Val328Ile (NM_001375488.1); and 4 more; short protein forms V278I, V287I, V327I, V145I, V184I, V186I, V328I, V270I.
Identifiers: ClinVar variation 2907515 (VCV002907515.4), dbSNP rs1762575606, ClinGen allele CA358472496.

ClinVar aggregate classification (germline): Uncertain significance. Review status: criteria provided, multiple submitters, no conflicts (2 of 4 stars). 2 submissions from 2 submitters: Uncertain significance (2). Last evaluated 2025-03-16.

Conditions:
Charcot-Marie-Tooth disease type 2R. Also called: CHARCOT-MARIE-TOOTH NEUROPATHY, TYPE 2R; CHARCOT-MARIE-TOOTH DISEASE, AXONAL, AUTOSOMAL RECESSIVE, TYPE 2R; Charcot-Marie-Tooth disease, axonal, type 2R. Identifiers: Orphanet 397968, MedGen C3809655, MONDO:0014208, OMIM 615490.

Allele frequency attached by ClinVar (database versions not stated): TOPMed below 0.00001.
gnomAD v4.1: 1 of 1,614,166 alleles (0.000062%); highest among the groups gnomAD compares: Non-Finnish European, 0.000085%; no homozygotes.

Submissions (2):

Ambry Genetics
Classification: Uncertain significance. Last evaluated: 2025-03-16. Review status: criteria provided, single submitter. Criteria: Ambry Variant Classification Scheme 2023. Collection method: clinical testing. Allele origin: germline.

Labcorp Genetics (formerly Invitae), Labcorp
Classification: Uncertain significance for Charcot-Marie-Tooth disease type 2R. Last evaluated: 2023-10-29. Review status: criteria provided, single submitter. Criteria: Invitae Variant Classification Sherloc (09022015). Collection method: clinical testing. Allele origin: germline.
Comment: This sequence change replaces valine, which is neutral and non-polar, with isoleucine, which is neutral and non-polar, at codon 270 of the TRIM2 protein (p.Val270Ile). This variant is not present in population databases (gnomAD no frequency). This variant has not been reported in the literature in individuals affected with TRIM2-related conditions. An algorithm developed to predict the effect of missense changes on protein structure and function (PolyPhen-2) suggests that this variant is likely to be tolerated. In summary, the available evidence is currently insufficient to determine the role of this variant in disease. Therefore, it has been classified as a Variant of Uncertain Significance.